The following is an entry in ClinVar:

NM_000214.3(JAG1):c.443del (p.Pro148fs)

Gene: JAG1 (jagged canonical Notch ligand 1; minus strand). Cytogenetic location: 20p12.2.
Variant type: Deletion.
Coding change: c.443del on transcript NM_000214.3 (MANE Select); coding-DNA position 443, one base deleted (C; older notation c.443delC).
Protein change: p.Pro148fs; shifts the reading frame from proline 148.
Molecular consequence: frameshift variant.
Genome position (GRCh38, 1-based): chr20:10,658,719, G deleted on the plus strand (C on the coding strand, the reverse complement: JAG1 is on the minus strand); the first of 2 consecutive G bases (chr20:10,658,719-10,658,720); deleting either gives the same sequence. VCF-style (leftmost placement, unchanged base first): chr20-10658718-AG-A. GRCh37 (hg19) VCF-style: chr20-10639366-AG-A.
Other names: short protein forms P148fs.
Identifiers: ClinVar variation 2118203 (VCV002118203.4), dbSNP rs2514526725, ClinGen allele CA2580097942.

ClinVar aggregate classification (germline): Pathogenic (1 of 4 stars; one submission).

Conditions:
Alagille syndrome due to a JAG1 point mutation. Also called: Alagille Syndrome 1; HEPATIC DUCTULAR HYPOPLASIA, SYNDROMATIC; JAG1-Related Alagille Syndrome. Identifiers: Orphanet 261619, Orphanet 52, MedGen C1956125, MONDO:0016862, OMIM 118450.

Submission:

Labcorp Genetics (formerly Invitae), Labcorp
Classification: Pathogenic for Alagille syndrome due to a JAG1 point mutation. Last evaluated: 2022-03-27. Review status: criteria provided, single submitter. Criteria: Invitae Variant Classification Sherloc (09022015). Collection method: clinical testing. Allele origin: germline.
Comment: This sequence change creates a premature translational stop signal (p.Pro148Leufs*13) in the JAG1 gene. It is expected to result in an absent or disrupted protein product. Loss-of-function variants in JAG1 are known to be pathogenic (PMID: 11180599). This variant is not present in population databases (gnomAD no frequency). This variant has not been reported in the literature in individuals affected with JAG1-related conditions. For these reasons, this variant has been classified as Pathogenic.

Literature cited by the submitters: PubMed 11180599.